The following is an entry in ClinVar:

NM_022042.4(SLC26A1):c.760C>T (p.Arg254Cys)

Genes: IDUA (alpha-L-iduronidase; plus strand), SLC26A1 (solute carrier family 26 member 1; minus strand). Cytogenetic location: 4p16.3.
Variant type: single nucleotide variant.
Coding change: c.760C>T on transcript NM_022042.4 (MANE Select); coding-DNA position 760, C replaced by T.
Protein change: p.Arg254Cys; replaces arginine 254 with cysteine.
Molecular consequence: missense variant. On other transcripts: intron variant (2).
Genome position (GRCh38, 1-based): chr4:990,179, G>A on the plus strand (C>T on the coding strand, the complement: SLC26A1 is on the minus strand). VCF-style: chr4-990179-G-A. GRCh37 (hg19) VCF-style: chr4-983967-G-A.
Other names: c.760C>T, p.Arg254Cys (NM_213613.4); c.576+949C>T (NM_134425.4); c.299+2230G>A (NM_000203.5); short protein forms R254C.
Identifiers: ClinVar variation 64593 (VCV000064593.10), dbSNP rs370834972, ClinGen allele CA216472.
Genomic context (GRCh38, chr4:990,179, plus strand): 5'-GCACCGCCAGGCACACCGTGCTGGTGACCACGTCGCACACGTTGGCCTGCCCGGCGCCGC[G>A]CAGCAGGCTCAGCCATGTGAGGACCACCATGCCGGGCCCCTGGTGCCGCGGGATCCGCAC-3'
Protein context (NP_071325.2, residues 244-264): MVVLTWLSLL[Arg254Cys]GAGQANVCDV

ClinVar aggregate classification (germline): Conflicting classifications of pathogenicity. Review status: criteria provided, conflicting classifications (1 of 4 stars). 3 submissions from 3 submitters: Uncertain significance (1); Likely benign (1). 1 of the submissions does not count toward it. Last evaluated 2025-12-29.

Conditions:
Hypersulfaturia (HYSULF). Identifiers: MedGen C5830511, MONDO:0957268, OMIM 620372.
Nephrolithiasis susceptibility caused by SLC26A1 (CAON1). Also called: NEPHROLITHIASIS, CALCIUM OXALATE, 1. Identifiers: MedGen C5779632, MONDO:0020722, OMIM 167030.

Allele frequency attached by ClinVar (database versions not stated): ESP Exome Variant Server 0.00008; gnomAD exomes 0.00011 and 0.00033; gnomAD 0.00015 and 0.00016; TOPMed 0.00017; 1000 Genomes Project 30x 0.00031; ExAC 0.00067.
gnomAD v4.1: 183 of 1,560,282 alleles (0.012%); highest among the groups gnomAD compares: Admixed American, 0.015%; no homozygotes.

Submissions (3):

Labcorp Genetics (formerly Invitae), Labcorp
Classification: Likely benign. Last evaluated: 2025-12-29. Review status: criteria provided, single submitter. Criteria: Invitae Variant Classification Sherloc (09022015). Collection method: clinical testing. Allele origin: germline.

Fulgent Genetics
Classification: Uncertain significance for Nephrolithiasis susceptibility caused by SLC26A1; Hypersulfaturia. Last evaluated: 2024-01-15. Review status: criteria provided, single submitter. Criteria: ACMG Guidelines, 2015. Collection method: clinical testing. Allele origin: germline.

Martin Pollak Laboratory,  Beth Israel Deaconess Medical Center
Classification: Uncertain significance. Review status: no assertion criteria provided. Collection method: not provided. Allele origin: unknown. Not counted in ClinVar's aggregate classification.
Comment: Lower UCa2+ group
ClinVar note: Converted during submission from unknown to Uncertain significance.